The following is an entry in ClinVar:

ClinVar aggregate classification (germline): Benign/Likely benign. Review status: criteria provided, multiple submitters, no conflicts (2 of 4 stars). 8 submissions from 7 submitters: Benign (6); Likely benign (2). Last evaluated 2026-08-01.

Conditions:
Developmental delay, impaired growth, dysmorphic facies, and axonal neuropathy. Identifiers: MedGen C5436781, MONDO:0030835, OMIM 619090.
Charcot-Marie-Tooth disease axonal type 2Z. Also called: CHARCOT-MARIE-TOOTH DISEASE, AXONAL, AUTOSOMAL DOMINANT, TYPE 2Z; CHARCOT-MARIE-TOOTH NEUROPATHY, TYPE 2Z. Identifiers: Orphanet 466768, MedGen C5569025, MONDO:0014736, OMIM 616688.

Allele frequency attached by ClinVar (database versions not stated): 1000 Genomes Project 30x 0.00172; TOPMed 0.00190; 1000 Genomes Project 0.00200; gnomAD exomes 0.00219 and 0.00333; gnomAD 0.00224 and 0.00227; ESP Exome Variant Server 0.00231; ExAC 0.00242.

Submissions (8):

CeGaT Center for Human Genetics Tuebingen
Classification: Likely benign. Last evaluated: 2026-08-01. Review status: criteria provided, single submitter. Criteria: CeGaT Center For Human Genetics Tuebingen Variant Classification Criteria Version 2. Collection method: clinical testing. Allele origin: germline. Affected: yes. Observed: 17 variant alleles.
Comment: MORC2: BP4, BP7, BS1

Labcorp Genetics (formerly Invitae), Labcorp
Classification: Benign for Charcot-Marie-Tooth disease axonal type 2Z. Last evaluated: 2026-01-24. Review status: criteria provided, single submitter. Criteria: Invitae Variant Classification Sherloc (09022015). Collection method: clinical testing. Allele origin: germline.

Mayo Clinic Laboratories, Mayo Clinic
Classification: Benign. Last evaluated: 2025-07-29. Review status: criteria provided, single submitter. Criteria: ACMG Guidelines, 2015. Collection method: clinical testing. Allele origin: germline. Observed: 1 variant allele.
Comment: BS1, BS2, BP4, BP7

ARUP Laboratories, Molecular Genetics and Genomics, ARUP Laboratories
Classification: Benign. Last evaluated: 2025-07-01. Review status: criteria provided, single submitter. Criteria: ARUP Molecular Germline Variant Investigation Process 2024. Collection method: clinical testing. Allele origin: germline.

Blueprint Genetics
Classification: Likely benign. Last evaluated: 2024-11-19. Review status: criteria provided, single submitter. Criteria: ACMG Guidelines, 2015. Collection method: clinical testing. Allele origin: germline.

Genome-Nilou Lab
Classification: Benign for Developmental delay, impaired growth, dysmorphic facies, and axonal neuropathy. Last evaluated: 2022-03-15. Review status: criteria provided, single submitter. Criteria: ACMG Guidelines, 2015. Collection method: clinical testing. Allele origin: germline. Affected: no.

Genome-Nilou Lab
Classification: Benign for Charcot-Marie-Tooth disease axonal type 2Z. Last evaluated: 2022-03-15. Review status: criteria provided, single submitter. Criteria: ACMG Guidelines, 2015. Collection method: clinical testing. Allele origin: germline. Affected: no.

GeneDx
Classification: Benign. Last evaluated: 2018-11-27. Review status: criteria provided, single submitter. Criteria: GeneDx Variant Classification Process June 2021. Collection method: clinical testing. Allele origin: germline. Affected: yes.

NM_001303256.3(MORC2):c.2238A>G (p.Glu746=)

Gene: MORC2 (MORC family CW-type zinc finger 2; minus strand). Cytogenetic location: 22q12.2.
Variant type: single nucleotide variant.
Coding change: c.2238A>G on transcript NM_001303256.3 (MANE Select); coding-DNA position 2238, A replaced by G.
Protein change: p.Glu746=; no amino-acid change (glutamic acid 746 retained).
Molecular consequence: synonymous variant.
Genome position (GRCh38, 1-based): chr22:30,934,147, T>C on the plus strand (A>G on the coding strand, the complement: MORC2 is on the minus strand). VCF-style: chr22-30934147-T-C. GRCh37 (hg19) VCF-style: chr22-31330134-T-C.
Other names: p.Glu746=; c.2238A>G, p.Glu746= (NM_001303257.2); c.2052A>G, p.Glu684= (NM_014941.3).
Identifiers: ClinVar variation 475579 (VCV000475579.61), dbSNP rs41279975, ClinGen allele CA10186729.
Genomic context (GRCh38, chr22:30,934,147, plus strand): 5'-CACAACAAATCTGCCCCGCTTGCACCTCTCCTTCCTCCTCTCAGCTTCCTCCTCAACTTC[T>C]TCCTCATCAGAAACTGCGACACTCCGCTTCCGACTAGGGGTAGCCTAGAGCAAGAGGAGC-3'
Protein context (NP_001290185.1, residues 736-756): RKRSVAVSDE[Glu746=]EVEEEAERRK